The following is an entry in ClinVar:

ClinVar aggregate classification (germline): Uncertain significance (1 of 4 stars; one submission).

Submission:

GeneDx
Classification: Uncertain significance. Last evaluated: 2024-10-15. Review status: criteria provided, single submitter. Criteria: GeneDx Variant Classification Process June 2021. Collection method: clinical testing. Allele origin: germline. Affected: yes.
Comment: Not observed at significant frequency in large population cohorts (gnomAD); In silico analysis indicates that this missense variant does not alter protein structure/function; Has not been previously published as pathogenic or benign to our knowledge

NM_015570.4(AUTS2):c.3568C>T (p.Pro1190Ser)

Gene: AUTS2 (activator of transcription and developmental regulator AUTS2; plus strand). Cytogenetic location: 7q11.22.
Variant type: single nucleotide variant.
Coding change: c.3568C>T on transcript NM_015570.4 (MANE Select); coding-DNA position 3568, C replaced by T.
Protein change: p.Pro1190Ser; replaces proline 1190 with serine.
Molecular consequence: missense variant.
Genome position (GRCh38, 1-based): chr7:70,790,784, C>T. VCF-style: chr7-70790784-C-T. GRCh37 (hg19) VCF-style: chr7-70255770-C-T.
Other names: c.3496C>T, p.Pro1166Ser (NM_001127231.3); short protein forms P1166S, P1190S.
Identifiers: ClinVar variation 3781109 (VCV003781109.1).
Genomic context (GRCh38, chr7:70,790,784, plus strand): 5'-GTGCACCCCGCCTCCCTCGACGGACACCTCCCCCACCCCAGCCTCATCACCCCGGGACTC[C>T]CCAGCATGCACTATCCCCGCATCAGCCCCACCGCGGGCAACCAGAACGGACTCCTCAACA-3'
Protein context (NP_056385.1, residues 1180-1200): PHPSLITPGL[Pro1190Ser]SMHYPRISPT